The following is an entry in ClinVar:

ClinVar aggregate classification (germline): Uncertain significance. Review status: criteria provided, multiple submitters, no conflicts (2 of 4 stars). 2 submissions from 2 submitters: Uncertain significance (2). Last evaluated 2024-10-24.

Conditions:
Inborn genetic diseases. Identifiers: MedGen C0950123, MeSH D030342.

Allele frequency attached by ClinVar (database versions not stated): gnomAD 0.00001.
gnomAD v4.1: 3 of 1,613,782 alleles (0.00019%); highest among the groups gnomAD compares: Non-Finnish European, 0.00017%; no homozygotes.

Submissions (2):

Ambry Genetics
Classification: Uncertain significance for Inborn genetic diseases. Last evaluated: 2024-10-24. Review status: criteria provided, single submitter. Criteria: Ambry Variant Classification Scheme 2023. Collection method: clinical testing. Allele origin: germline.

Labcorp Genetics (formerly Invitae), Labcorp
Classification: Uncertain significance. Last evaluated: 2024-01-25. Review status: criteria provided, single submitter. Criteria: Invitae Variant Classification Sherloc (09022015). Collection method: clinical testing. Allele origin: germline.
Comment: This sequence change replaces aspartic acid, which is acidic and polar, with asparagine, which is neutral and polar, at codon 534 of the CACNA2D4 protein (p.Asp534Asn). This variant is present in population databases (rs764192200, gnomAD 0.0009%). This variant has not been reported in the literature in individuals affected with CACNA2D4-related conditions. An algorithm developed to predict the effect of missense changes on protein structure and function (PolyPhen-2) suggests that this variant is likely to be disruptive. In summary, the available evidence is currently insufficient to determine the role of this variant in disease. Therefore, it has been classified as a Variant of Uncertain Significance.

NM_172364.5(CACNA2D4):c.1600G>A (p.Asp534Asn)

Gene: CACNA2D4 (calcium voltage-gated channel auxiliary subunit alpha2delta 4; minus strand). Cytogenetic location: 12p13.33.
Variant type: single nucleotide variant.
Coding change: c.1600G>A on transcript NM_172364.5 (MANE Select); coding-DNA position 1600, G replaced by A.
Protein change: p.Asp534Asn; replaces aspartic acid 534 with asparagine.
Molecular consequence: missense variant.
Genome position (GRCh38, 1-based): chr12:1,879,000, C>T on the plus strand (G>A on the coding strand, the complement: CACNA2D4 is on the minus strand). VCF-style: chr12-1879000-C-T. GRCh37 (hg19) VCF-style: chr12-1988166-C-T.
Other names: c.1600G>A (NM_172364.4); short protein forms D534N.
Identifiers: ClinVar variation 2989942 (VCV002989942.4), dbSNP rs764192200, ClinGen allele CA6387065.